The following is an entry in ClinVar:

NM_002447.4(MST1R):c.4003A>G (p.Arg1335Gly)

Gene: MST1R (macrophage stimulating 1 receptor; minus strand). Cytogenetic location: 3p21.31.
Variant type: single nucleotide variant.
Coding change: c.4003A>G on transcript NM_002447.4 (MANE Select); coding-DNA position 4003, A replaced by G.
Protein change: p.Arg1335Gly; replaces arginine 1335 with glycine.
Molecular consequence: missense variant. On other transcripts: non-coding transcript variant (1).
Genome position (GRCh38, 1-based): chr3:49,887,507, T>C on the plus strand (A>G on the coding strand, the complement: MST1R is on the minus strand). VCF-style: chr3-49887507-T-C. GRCh37 (hg19) VCF-style: chr3-49924940-T-C.
Other names: c.3856A>G, p.Arg1286Gly (NM_001244937.3); c.3685A>G, p.Arg1229Gly (NM_001318913.2); short protein forms R1229G, R1286G, R1335G.
Identifiers: ClinVar variation 3058886 (VCV003058886.2), dbSNP rs1062633, ClinGen allele CA2408390.

ClinVar aggregate classification (germline): Benign (0 of 4 stars; one submission).

Conditions:
MST1R-related disorder. Also called: MST1R-related condition.

Allele frequency attached by ClinVar (database versions not stated): ExAC 0.41797; 1000 Genomes Project 0.41913; 1000 Genomes Project 30x 0.42598; gnomAD exomes 0.47514; gnomAD 0.50824; TOPMed 0.52377; ESP Exome Variant Server 0.56289.

Submission:

PreventionGenetics, part of Exact Sciences
Classification: Benign for MST1R-related condition. Last evaluated: 2019-10-21. Review status: no assertion criteria provided. Collection method: clinical testing. Allele origin: germline.
Comment: This variant is classified as benign based on ACMG/AMP sequence variant interpretation guidelines (Richards et al. 2015 PMID: 25741868, with internal and published modifications).